The following is an entry in ClinVar:

ClinVar aggregate classification (germline): Benign (0 of 4 stars; one submission).

Conditions:
PSORS1C1-related disorder. Also called: PSORS1C1-related condition.

Allele frequency attached by ClinVar (database versions not stated): 1000 Genomes Project 30x 0.01546; 1000 Genomes Project 0.01697; TOPMed 0.03649; gnomAD 0.04840; ESP Exome Variant Server 0.04870; ExAC 0.05191; gnomAD exomes 0.05950.
gnomAD v4.1: 92,702 of 1,603,722 alleles (5.8%); highest among the groups gnomAD compares: Non-Finnish European, 6.9%; 3,521 homozygotes.

Submission:

PreventionGenetics, part of Exact Sciences
Classification: Benign for PSORS1C1-related condition. Last evaluated: 2019-10-21. Review status: no assertion criteria provided. Collection method: clinical testing. Allele origin: germline.
Comment: This variant is classified as benign based on ACMG/AMP sequence variant interpretation guidelines (Richards et al. 2015 PMID: 25741868, with internal and published modifications).

NM_014068.3(PSORS1C1):c.100G>A (p.Glu34Lys)

Genes: PSORS1C1 (psoriasis susceptibility 1 candidate 1; plus strand), PSORS1C2 (psoriasis susceptibility 1 candidate 2; minus strand). Cytogenetic location: 6p21.33.
Variant type: single nucleotide variant.
Coding change: c.100G>A on transcript NM_014068.3 (MANE Select); coding-DNA position 100, G replaced by A.
Protein change: p.Glu34Lys; replaces glutamic acid 34 with lysine.
Molecular consequence: missense variant. On other transcripts: intron variant (1).
Genome position (GRCh38, 1-based): chr6:31,138,712, G>A. VCF-style: chr6-31138712-G-A. GRCh37 (hg19) VCF-style: chr6-31106489-G-A.
Other names: c.55+260C>T (NM_014069.3); short protein forms E34K.
Identifiers: ClinVar variation 3056342 (VCV003056342.2), dbSNP rs1265096, ClinGen allele CA3708771.